The following is an entry in ClinVar:

ClinVar aggregate classification (germline): Likely benign (1 of 4 stars; one submission).

Submission:

CeGaT Center for Human Genetics Tuebingen
Classification: Likely benign. Last evaluated: 2025-01-01. Review status: criteria provided, single submitter. Criteria: CeGaT Center For Human Genetics Tuebingen Variant Classification Criteria Version 2. Collection method: clinical testing. Allele origin: germline. Affected: yes. Observed: 1 variant allele.
Comment: TCF4: PM2:Supporting, BP4, BP7

NM_001083962.2(TCF4):c.1065C>G (p.Leu355=)

Gene: TCF4 (transcription factor 4; minus strand). Cytogenetic location: 18q21.2.
Variant type: single nucleotide variant.
Coding change: c.1065C>G on transcript NM_001083962.2 (MANE Select); coding-DNA position 1065, C replaced by G.
Protein change: p.Leu355=; no amino-acid change (leucine 355 retained).
Molecular consequence: synonymous variant.
Genome position (GRCh38, 1-based): chr18:55,259,953, G>C on the plus strand (C>G on the coding strand, the complement: TCF4 is on the minus strand). VCF-style: chr18-55259953-G-C. GRCh37 (hg19) VCF-style: chr18-52927184-G-C.
Other names: c.1371C>G, p.Leu457= (NM_001243226.3); c.993C>G, p.Leu331= (NM_001243227.2, NM_001306207.1, NM_001348217.1 and 9 more transcripts); c.1083C>G, p.Leu361= (NM_001243228.2); c.1059C>G, p.Leu353= (NM_001243230.2); c.939C>G, p.Leu313= (NM_001243231.2, NM_001348211.2); c.852C>G, p.Leu284= (NM_001243232.1, NM_001306208.1); c.675C>G, p.Leu225= (NM_001243233.2, NM_001330605.3, NM_001348212.2 and 1 more transcripts); c.585C>G, p.Leu195= (NM_001243234.2, NM_001243235.2, NM_001243236.2 and 2 more transcripts); and 4 more.
Identifiers: ClinVar variation 3772197 (VCV003772197.13).